The following is an entry in ClinVar:

ClinVar aggregate classification (germline): Likely benign (0 of 4 stars; one submission).

Conditions:
CFAP251-related disorder. Also called: CFAP251-related condition.

gnomAD v4.1: 70 of 1,610,392 alleles (0.0043%); highest among the groups gnomAD compares: African/African-American, 0.0013%; no homozygotes.

Submission:

PreventionGenetics, part of Exact Sciences
Classification: Likely benign for CFAP251-related condition. Last evaluated: 2019-10-28. Review status: no assertion criteria provided. Collection method: clinical testing. Allele origin: germline.
Comment: This variant is classified as likely benign based on ACMG/AMP sequence variant interpretation guidelines (Richards et al. 2015 PMID: 25741868, with internal and published modifications).

NM_144668.6(CFAP251):c.2492+10C>G

Gene: CFAP251 (cilia and flagella associated protein 251; plus strand). Cytogenetic location: 12q24.31.
Variant type: single nucleotide variant.
Coding change: c.2492+10C>G on transcript NM_144668.6 (MANE Select); 10 bases into the intron after coding-DNA position 2492, C replaced by G.
Molecular consequence: intron variant.
Genome position (GRCh38, 1-based): chr12:121,962,172, C>G. VCF-style: chr12-121962172-C-G. GRCh37 (hg19) VCF-style: chr12-122400078-C-G.
Other names: c.2492+10C>G (NM_001178003.2).
Identifiers: ClinVar variation 3045860 (VCV003045860.2), dbSNP rs553964649, ClinGen allele CA6840877.